The following is an entry in ClinVar:

NM_139076.3(ABRAXAS1):c.415A>G (p.Ile139Val)

Gene: ABRAXAS1 (abraxas 1, BRCA1 A complex subunit; minus strand). Cytogenetic location: 4q21.23.
Variant type: single nucleotide variant.
Coding change: c.415A>G on transcript NM_139076.3 (MANE Select); coding-DNA position 415, A replaced by G.
Protein change: p.Ile139Val; replaces isoleucine 139 with valine.
Molecular consequence: missense variant.
Genome position (GRCh38, 1-based): chr4:83,470,264, T>C on the plus strand (A>G on the coding strand, the complement: ABRAXAS1 is on the minus strand). VCF-style: chr4-83470264-T-C. GRCh37 (hg19) VCF-style: chr4-84391417-T-C.
Other names: c.88A>G, p.Ile30Val (NM_001345962.2); c.415A>G (NM_139076.2); short protein forms I30V, I139V.
Identifiers: ClinVar variation 1360980 (VCV001360980.9), dbSNP rs2110039689, ClinGen allele CA357259792.

ClinVar aggregate classification (germline): Uncertain significance. Review status: criteria provided, multiple submitters, no conflicts (2 of 4 stars). 2 submissions from 2 submitters: Uncertain significance (2). Last evaluated 2026-07-23.

Allele frequency attached by ClinVar (database versions not stated): gnomAD exomes below 0.00001.
gnomAD v4.1: 2 of 1,613,824 alleles (0.00012%); highest among the groups gnomAD compares: African/African-American, 0.0027%; no homozygotes.

Submissions (2):

Ambry Genetics
Classification: Uncertain significance. Last evaluated: 2026-07-23. Review status: criteria provided, single submitter. Criteria: Ambry Variant Classification Scheme 2023. Collection method: clinical testing. Allele origin: germline.
Comment: The p.I139V variant (also known as c.415A>G), located in coding exon 5 of the FAM175A gene, results from an A to G substitution at nucleotide position 415. The isoleucine at codon 139 is replaced by valine, an amino acid with highly similar properties. This amino acid position is conserved. In addition, this alteration is predicted to be tolerated by in silico analysis. Based on the available evidence, the clinical significance of this variant remains unclear.

Labcorp Genetics (formerly Invitae), Labcorp
Classification: Uncertain significance. Last evaluated: 2023-06-14. Review status: criteria provided, single submitter. Criteria: Invitae Variant Classification Sherloc (09022015). Collection method: clinical testing. Allele origin: germline.
Comment: This sequence change replaces isoleucine, which is neutral and non-polar, with valine, which is neutral and non-polar, at codon 139 of the ABRAXAS1 protein (p.Ile139Val). This variant is not present in population databases (gnomAD no frequency). This variant has not been reported in the literature in individuals affected with ABRAXAS1-related conditions. ClinVar contains an entry for this variant (Variation ID: 1360980). Advanced modeling of protein sequence and biophysical properties (such as structural, functional, and spatial information, amino acid conservation, physicochemical variation, residue mobility, and thermodynamic stability) performed at Invitae indicates that this missense variant is not expected to disrupt ABRAXAS1 protein function. In summary, the available evidence is currently insufficient to determine the role of this variant in disease. Therefore, it has been classified as a Variant of Uncertain Significance.